The following is an entry in ClinVar:

ClinVar aggregate classification (germline): Conflicting classifications of pathogenicity. Review status: criteria provided, conflicting classifications (1 of 4 stars). 2 submissions from 2 submitters: Uncertain significance (1); Likely benign (1). Last evaluated 2025-04-28.

Conditions:
Hereditary cancer-predisposing syndrome. Also called: Neoplastic Syndromes, Hereditary; Tumor predisposition; Hereditary Cancer Syndrome; Hereditary neoplastic syndrome. Identifiers: Orphanet 140162, MedGen C0027672, MeSH D009386, MONDO:0015356.
Fanconi anemia complementation group O. Also called: RAD51C-Related Fanconi Anemia. Identifiers: Orphanet 84, MedGen C3150653, MONDO:0013248, OMIM 613390.

Allele frequency attached by ClinVar (database versions not stated): gnomAD 0.00001.

Submissions (2):

Ambry Genetics
Classification: Likely benign for Hereditary cancer-predisposing syndrome. Last evaluated: 2025-04-28. Review status: criteria provided, single submitter. Criteria: Ambry Variant Classification Scheme 2023. Collection method: clinical testing. Allele origin: germline.

Labcorp Genetics (formerly Invitae), Labcorp
Classification: Uncertain significance for Fanconi anemia complementation group O. Last evaluated: 2025-01-21. Review status: criteria provided, single submitter. Criteria: Invitae Variant Classification Sherloc (09022015). Collection method: clinical testing. Allele origin: germline.
Comment: This sequence change replaces methionine, which is neutral and non-polar, with valine, which is neutral and non-polar, at codon 136 of the RAD51C protein (p.Met136Val). This variant is not present in population databases (gnomAD no frequency). This variant has not been reported in the literature in individuals affected with RAD51C-related conditions. ClinVar contains an entry for this variant (Variation ID: 2829603). An algorithm developed to predict the effect of missense changes on protein structure and function (PolyPhen-2) suggests that this variant is likely to be tolerated. In summary, the available evidence is currently insufficient to determine the role of this variant in disease. Therefore, it has been classified as a Variant of Uncertain Significance.

NM_058216.3(RAD51C):c.406A>G (p.Met136Val)

Gene: RAD51C (RAD51 paralog C; plus strand). Cytogenetic location: 17q22.
Variant type: single nucleotide variant.
Coding change: c.406A>G on transcript NM_058216.3 (MANE Select); coding-DNA position 406, A replaced by G.
Protein change: p.Met136Val; replaces methionine 136 with valine.
Molecular consequence: missense variant.
Genome position (GRCh38, 1-based): chr17:58,696,694, A>G. VCF-style: chr17-58696694-A-G. GRCh37 (hg19) VCF-style: chr17-56774055-A-G.
Other names: short protein forms M136V.
Identifiers: ClinVar variation 2829603 (VCV002829603.4), dbSNP rs587780254, ClinGen allele CA400343672.